The following is an entry in ClinVar:

ClinVar aggregate classification (germline): Uncertain significance (1 of 4 stars; one submission).

Conditions:
Neurodevelopmental disorder with central hypotonia and dysmorphic facies (NEDCHF). Identifiers: MedGen C5676944, MONDO:0859232, OMIM 619797.

Submission:

Laboratorio de Genetica e Diagnostico Molecular, Hospital Israelita Albert Einstein
Classification: Uncertain significance for Neurodevelopmental disorder with central hypotonia and dysmorphic facies. Last evaluated: 2024-08-05. Review status: criteria provided, single submitter. Criteria: ACMG Guidelines, 2015. Collection method: clinical testing. Allele origin: germline. Affected: yes.
Comment: ACMG classification criteria: PM2 supporting, PP2 supporting, PP3 supporting

NM_001378414.1(HDAC4):c.2662G>C (p.Gly888Arg)

Gene: HDAC4 (histone deacetylase 4; minus strand). Cytogenetic location: 2q37.3.
Variant type: single nucleotide variant.
Coding change: c.2662G>C on transcript NM_001378414.1 (MANE Select); coding-DNA position 2662, G replaced by C.
Protein change: p.Gly888Arg; replaces glycine 888 with arginine.
Molecular consequence: missense variant.
Genome position (GRCh38, 1-based): chr2:239,081,183, C>G on the plus strand (G>C on the coding strand, the complement: HDAC4 is on the minus strand). VCF-style: chr2-239081183-C-G. GRCh37 (hg19) VCF-style: chr2-240002879-C-G.
Other names: c.2662G>C, p.Gly888Arg (NM_001378415.1); c.2647G>C, p.Gly883Arg (NM_001378416.1, NM_001378417.1, NM_006037.4); short protein forms G883R, G888R.
Identifiers: ClinVar variation 4056524 (VCV004056524.1).
Genomic context (GRCh38, chr2:239,081,183, plus strand): 5'-CCATGGGGGGGTCCAGGCCGCCGGTGAAAGCCATGTTGACGTTGAAACCCACGCCGGGCC[C>G]TGTGCCCACCTGTGGCCAGAAGGAGAGAAACACACGTCATGGACCCCGAGCGGGACCTGT-3'
Protein context (NP_001365343.1, residues 878-898): GSGAPDEVGT[Gly888Arg]PGVGFNVNMA